The following is an entry in ClinVar:

ClinVar aggregate classification (germline): Uncertain significance (1 of 4 stars; one submission).

Allele frequency attached by ClinVar (database versions not stated): gnomAD 0.00002 and 0.00003; TOPMed 0.00002; ExAC 0.00004; gnomAD exomes 0.00004; ESP Exome Variant Server 0.00008.
gnomAD v4.1: 70 of 1,613,422 alleles (0.0043%); highest among the groups gnomAD compares: Non-Finnish European, 0.0056%; no homozygotes.

Submission:

Labcorp Genetics (formerly Invitae), Labcorp
Classification: Uncertain significance. Last evaluated: 2025-08-21. Review status: criteria provided, single submitter. Criteria: Invitae Variant Classification Sherloc (09022015). Collection method: clinical testing. Allele origin: germline.
Comment: This sequence change replaces glycine, which is neutral and non-polar, with valine, which is neutral and non-polar, at codon 1457 of the LRP6 protein (p.Gly1457Val). This variant is present in population databases (rs374072779, gnomAD 0.008%). This variant has not been reported in the literature in individuals affected with LRP6-related conditions. ClinVar contains an entry for this variant (Variation ID: 1488601). Invitae Evidence Modeling of protein sequence and biophysical properties (such as structural, functional, and spatial information, amino acid conservation, physicochemical variation, residue mobility, and thermodynamic stability) indicates that this missense variant is not expected to disrupt LRP6 protein function with a negative predictive value of 80%. In summary, the available evidence is currently insufficient to determine the role of this variant in disease. Therefore, it has been classified as a Variant of Uncertain Significance.

NM_002336.3(LRP6):c.4370G>T (p.Gly1457Val)

Gene: LRP6 (LDL receptor related protein 6; minus strand). Cytogenetic location: 12p13.2.
Variant type: single nucleotide variant.
Coding change: c.4370G>T on transcript NM_002336.3 (MANE Select); coding-DNA position 4370, G replaced by T.
Protein change: p.Gly1457Val; replaces glycine 1457 with valine.
Molecular consequence: missense variant.
Genome position (GRCh38, 1-based): chr12:12,125,375, C>A on the plus strand (G>T on the coding strand, the complement: LRP6 is on the minus strand). VCF-style: chr12-12125375-C-A. GRCh37 (hg19) VCF-style: chr12-12278309-C-A.
Other names: short protein forms G1457V.
Identifiers: ClinVar variation 1488601 (VCV001488601.6), dbSNP rs374072779, ClinGen allele CA6454974.